The following is an entry in ClinVar:

ClinVar aggregate classification (germline): Uncertain significance (1 of 4 stars; one submission).

Allele frequency attached by ClinVar (database versions not stated): gnomAD 0.00001; TOPMed 0.00001; ESP Exome Variant Server 0.00008; gnomAD exomes below 0.00001; ExAC 0.00001.
gnomAD v4.1: 2 of 1,613,922 alleles (0.00012%); highest among the groups gnomAD compares: African/African-American, 0.0013%; no homozygotes.

Submission:

Labcorp Genetics (formerly Invitae), Labcorp
Classification: Uncertain significance. Last evaluated: 2026-01-01. Review status: criteria provided, single submitter. Criteria: Invitae Variant Classification Sherloc (09022015). Collection method: clinical testing. Allele origin: germline.
Comment: This sequence change replaces methionine, which is neutral and non-polar, with valine, which is neutral and non-polar, at codon 534 of the PPP2R5D protein (p.Met534Val). This variant is present in population databases (rs374641439, gnomAD 0.007%). This variant has not been reported in the literature in individuals affected with PPP2R5D-related conditions. ClinVar contains an entry for this variant (Variation ID: 1426532). An algorithm developed to predict the effect of missense changes on protein structure and function (PolyPhen-2) suggests that this variant is likely to be tolerated. In summary, the available evidence is currently insufficient to determine the role of this variant in disease. Therefore, it has been classified as a Variant of Uncertain Significance.

NM_006245.4(PPP2R5D):c.1600A>G (p.Met534Val)

Gene: PPP2R5D (protein phosphatase 2 regulatory subunit B'delta; plus strand). Cytogenetic location: 6p21.1.
Variant type: single nucleotide variant.
Coding change: c.1600A>G on transcript NM_006245.4 (MANE Select); coding-DNA position 1600, A replaced by G.
Protein change: p.Met534Val; replaces methionine 534 with valine.
Molecular consequence: missense variant.
Genome position (GRCh38, 1-based): chr6:43,010,926, A>G. VCF-style: chr6-43010926-A-G. GRCh37 (hg19) VCF-style: chr6-42978664-A-G.
Other names: c.1147A>G, p.Met383Val (NM_001270476.2); c.1504A>G, p.Met502Val (NM_180976.3); c.1282A>G, p.Met428Val (NM_180977.3); short protein forms M534V, M383V, M428V, M502V.
Identifiers: ClinVar variation 1426532 (VCV001426532.6), dbSNP rs374641439, ClinGen allele CA3812121.